The following is an entry in ClinVar:

NM_152709.5(STOX1):c.53G>C (p.Arg18Pro)

Genes: STOX1 (storkhead box 1; plus strand), LOC130003952 (ATAC-STARR-seq lymphoblastoid silent region 2422; plus strand). Cytogenetic location: 10q22.1.
Variant type: single nucleotide variant.
Coding change: c.53G>C on transcript NM_152709.5 (MANE Select); coding-DNA position 53, G replaced by C.
Protein change: p.Arg18Pro; replaces arginine 18 with proline.
Molecular consequence: missense variant.
Genome position (GRCh38, 1-based): chr10:68,827,676, G>C. VCF-style: chr10-68827676-G-C. GRCh37 (hg19) VCF-style: chr10-70587433-G-C.
Other names: c.53G>C, p.Arg18Pro (NM_001130159.3, NM_001130160.3, NM_001130161.4); short protein forms R18P.
Identifiers: ClinVar variation 3341721 (VCV003341721.16).
Genomic context (GRCh38, chr10:68,827,676, plus strand): 5'-GCGAAAGCATGGCCCGGCCCGTGCAGCTGGCGCCGGGCTCGCTGGCGCTAGTGCTGTGCC[G>C]GCTGGAGGCGCAGAAGGCGGCGGGGGCCGCGGAGGAGCCTGGTGGGCGCGCGGTGTTCCG-3'
Protein context (NP_689922.3, residues 8-28): APGSLALVLC[Arg18Pro]LEAQKAAGAA

ClinVar aggregate classification (germline): Likely benign (1 of 4 stars; one submission).

gnomAD v4.1: 6,601 of 1,121,884 alleles (0.59%); highest among the groups gnomAD compares: Non-Finnish European, 0.69%; 31 homozygotes.

Submission:

CeGaT Center for Human Genetics Tuebingen
Classification: Likely benign. Last evaluated: 2026-02-01. Review status: criteria provided, single submitter. Criteria: CeGaT Center For Human Genetics Tuebingen Variant Classification Criteria Version 2. Collection method: clinical testing. Allele origin: germline. Affected: yes. Observed: 3 variant alleles.
Comment: STOX1: BP4, BS2